The following is an entry in ClinVar:

NM_005559.4(LAMA1):c.346G>A (p.Val116Ile)

Gene: LAMA1 (laminin subunit alpha 1; minus strand). Cytogenetic location: 18p11.31.
Variant type: single nucleotide variant.
Coding change: c.346G>A on transcript NM_005559.4 (MANE Select); coding-DNA position 346, G replaced by A.
Protein change: p.Val116Ile; replaces valine 116 with isoleucine.
Molecular consequence: missense variant.
Genome position (GRCh38, 1-based): chr18:7,050,936, C>T on the plus strand (G>A on the coding strand, the complement: LAMA1 is on the minus strand). VCF-style: chr18-7050936-C-T. GRCh37 (hg19) VCF-style: chr18-7050935-C-T.
Other names: short protein forms V116I.
Identifiers: ClinVar variation 1964317 (VCV001964317.3), dbSNP rs2510096422, ClinGen allele CA401843922.

ClinVar aggregate classification (germline): Uncertain significance (1 of 4 stars; one submission).

Allele frequency attached by ClinVar (database versions not stated): gnomAD exomes below 0.00001.
gnomAD v4.1: 2 of 1,614,032 alleles (0.00012%); highest among the groups gnomAD compares: Non-Finnish European, 0.00017%; no homozygotes.

Submission:

Labcorp Genetics (formerly Invitae), Labcorp
Classification: Uncertain significance. Last evaluated: 2022-08-06. Review status: criteria provided, single submitter. Criteria: Invitae Variant Classification Sherloc (09022015). Collection method: clinical testing. Allele origin: germline.
Comment: In summary, the available evidence is currently insufficient to determine the role of this variant in disease. Therefore, it has been classified as a Variant of Uncertain Significance. Algorithms developed to predict the effect of missense changes on protein structure and function output the following: SIFT: "Tolerated"; PolyPhen-2: "Benign"; Align-GVGD: "Class C0". The isoleucine amino acid residue is found in multiple mammalian species, which suggests that this missense change does not adversely affect protein function. This variant has not been reported in the literature in individuals affected with LAMA1-related conditions. This variant is not present in population databases (gnomAD no frequency). This sequence change replaces valine, which is neutral and non-polar, with isoleucine, which is neutral and non-polar, at codon 116 of the LAMA1 protein (p.Val116Ile).